The following is an entry in ClinVar:

NM_000632.4(ITGAM):c.547T>C (p.Ser183Pro)

Gene: ITGAM (integrin subunit alpha M; plus strand). Cytogenetic location: 16p11.2.
Variant type: single nucleotide variant.
Coding change: c.547T>C on transcript NM_000632.4 (MANE Select); coding-DNA position 547, T replaced by C.
Protein change: p.Ser183Pro; replaces serine 183 with proline.
Molecular consequence: missense variant.
Genome position (GRCh38, 1-based): chr16:31,271,073, T>C. VCF-style: chr16-31271073-T-C. GRCh37 (hg19) VCF-style: chr16-31282394-T-C.
Other names: c.547T>C, p.Ser183Pro (NM_001145808.2); short protein forms S183P.
Identifiers: ClinVar variation 3628464 (VCV003628464.2).

ClinVar aggregate classification (germline): Uncertain significance (1 of 4 stars; one submission).

gnomAD v4.1: 2 of 1,570,878 alleles (0.00013%); highest among the groups gnomAD compares: Non-Finnish European, 0.000087%; no homozygotes.

Submission:

Labcorp Genetics (formerly Invitae), Labcorp
Classification: Uncertain significance. Last evaluated: 2024-11-11. Review status: criteria provided, single submitter. Criteria: Invitae Variant Classification Sherloc (09022015). Collection method: clinical testing. Allele origin: germline.
Comment: This sequence change replaces serine, which is neutral and polar, with proline, which is neutral and non-polar, at codon 183 of the ITGAM protein (p.Ser183Pro). This variant is present in population databases (rs777436341, gnomAD 0.007%). This variant has not been reported in the literature in individuals affected with ITGAM-related conditions. An algorithm developed to predict the effect of missense changes on protein structure and function outputs the following: PolyPhen-2: "Benign". The proline amino acid residue is found in multiple mammalian species, which suggests that this missense change does not adversely affect protein function. In summary, the available evidence is currently insufficient to determine the role of this variant in disease. Therefore, it has been classified as a Variant of Uncertain Significance.